The following is an entry in ClinVar:

ClinVar aggregate classification (germline): Likely benign. Review status: criteria provided, multiple submitters, no conflicts (2 of 4 stars). 2 submissions from 2 submitters: Likely benign (2). Last evaluated 2026-04-01.

Conditions:
Inborn genetic diseases. Identifiers: MedGen C0950123, MeSH D030342.

Allele frequency attached by ClinVar (database versions not stated): 1000 Genomes Project 30x 0.00031; 1000 Genomes Project 0.00040; ExAC 0.00051; gnomAD 0.00070; TOPMed 0.00080; ESP Exome Variant Server 0.00108; gnomAD exomes 0.00115.
gnomAD v4.1: 1,765 of 1,562,310 alleles (0.11%); highest among the groups gnomAD compares: Non-Finnish European, 0.14%; 1 homozygote.

Submissions (2):

CeGaT Center for Human Genetics Tuebingen
Classification: Likely benign. Last evaluated: 2026-04-01. Review status: criteria provided, single submitter. Criteria: CeGaT Center For Human Genetics Tuebingen Variant Classification Criteria Version 2. Collection method: clinical testing. Allele origin: germline. Affected: yes. Observed: 3 variant alleles.
Comment: SETD1A: BS1

Ambry Genetics
Classification: Likely benign for Inborn genetic diseases. Last evaluated: 2026-02-09. Review status: criteria provided, single submitter. Criteria: Ambry Variant Classification Scheme 2023. Collection method: clinical testing. Allele origin: germline.

NM_014712.3(SETD1A):c.3353C>G (p.Pro1118Arg)

Gene: SETD1A (SET domain containing 1A, histone lysine methyltransferase; plus strand). Cytogenetic location: 16p11.2.
Variant type: single nucleotide variant.
Coding change: c.3353C>G on transcript NM_014712.3 (MANE Select); coding-DNA position 3353, C replaced by G.
Protein change: p.Pro1118Arg; replaces proline 1118 with arginine.
Molecular consequence: missense variant.
Genome position (GRCh38, 1-based): chr16:30,971,714, C>G. VCF-style: chr16-30971714-C-G. GRCh37 (hg19) VCF-style: chr16-30983035-C-G.
Other names: short protein forms P1118R.
Identifiers: ClinVar variation 2352296 (VCV002352296.24), dbSNP rs138754589, ClinGen allele CA8017233.
Genomic context (GRCh38, chr16:30,971,714, plus strand): 5'-AAAGGGTTGCAGGCTCCCCAGTCACACCCCTGCCCGAACAGGAGGCGTCTCCAGCAAGGC[C>G]TGCAGGTAGGTGCCACAGGGCTGTCGGTTAGATCGCTGTGTGTGTGAGAGAGAGAGAGAA-3'
Protein context (NP_055527.1, residues 1108-1128): LPEQEASPAR[Pro1118Arg]AGPTEESPPS